The following is an entry in ClinVar:

NM_001130823.3(DNMT1):c.614C>G (p.Ser205Trp)

Gene: DNMT1 (DNA methyltransferase 1; minus strand). Cytogenetic location: 19p13.2.
Variant type: single nucleotide variant.
Coding change: c.614C>G on transcript NM_001130823.3 (MANE Select); coding-DNA position 614, C replaced by G.
Protein change: p.Ser205Trp; replaces serine 205 with tryptophan.
Molecular consequence: missense variant.
Genome position (GRCh38, 1-based): chr19:10,175,574, G>C on the plus strand (C>G on the coding strand, the complement: DNMT1 is on the minus strand). VCF-style: chr19-10175574-G-C. GRCh37 (hg19) VCF-style: chr19-10286250-G-C.
Other names: c.566C>G, p.Ser189Trp (NM_001318730.2, NM_001379.4); c.251C>G, p.Ser84Trp (NM_001318731.2); short protein forms S205W, S189W, S84W.
Identifiers: ClinVar variation 852486 (VCV000852486.9), dbSNP rs781646588, ClinGen allele CA403944359.

ClinVar aggregate classification (germline): Uncertain significance (1 of 4 stars; one submission).

Conditions:
Hereditary sensory neuropathy-deafness-dementia syndrome. Also called: Hereditary sensory neuropathy type IE; NEUROPATHY, HEREDITARY SENSORY, WITH HEARING LOSS AND DEMENTIA; Hereditary Sensory and Autonomic Neuropathy Type 1E (HSAN1E); HSN IE. Identifiers: Orphanet 456318, MedGen C3279885, MONDO:0013584, OMIM 614116.

Submission:

Labcorp Genetics (formerly Invitae), Labcorp
Classification: Uncertain significance for Hereditary sensory neuropathy-deafness-dementia syndrome. Last evaluated: 2020-08-07. Review status: criteria provided, single submitter. Criteria: Invitae Variant Classification Sherloc (09022015). Collection method: clinical testing. Allele origin: germline.
Comment: This sequence change replaces serine with tryptophan at codon 205 of the DNMT1 protein (p.Ser205Trp). The serine residue is weakly conserved and there is a large physicochemical difference between serine and tryptophan. This variant is not present in population databases (ExAC no frequency). This variant has not been reported in the literature in individuals with DNMT1-related conditions. Algorithms developed to predict the effect of missense changes on protein structure and function are either unavailable or do not agree on the potential impact of this missense change (SIFT: "Tolerated"; PolyPhen-2: "Possibly Damaging"; Align-GVGD: "Class C0"). In summary, the available evidence is currently insufficient to determine the role of this variant in disease. Therefore, it has been classified as a Variant of Uncertain Significance.